The following is an entry in ClinVar:

NC_012920.1(MT-CO3):m.9903T>C

Gene: MT-CO3 (mitochondrially encoded cytochrome c oxidase III; plus strand).
Variant type: single nucleotide variant.
Genome position: chrM-9903-T-C.
Identifiers: ClinVar variation 693245 (VCV000693245.1), dbSNP rs199999390, ClinGen allele CA337098601.

ClinVar aggregate classification (germline): Benign (1 of 4 stars; one submission).

Conditions:
Leigh syndrome (NULS). Also called: Leigh's necrotizing encephalopathy; Leigh's disease; Leigh Syndrome (mtDNA deletion); Leigh Disease; Subacute necrotizing encephalopathy; Necrotizing encephalopathy infantile subacute of Leigh. Identifiers: Orphanet 506, MedGen C2931891, MONDO:0009723, OMIM 256000.

Submission:

Wong Mito Lab, Molecular and Human Genetics, Baylor College of Medicine
Classification: Benign for Leigh syndrome. Last evaluated: 2019-10-17. Review status: criteria provided, single submitter. Criteria: Modified ACMG Guidelines (Unpublished). Collection method: clinical testing. Allele origin: germline.
Comment: The NC_012920.1:m.9903T>C (YP_003024032.1:p.Phe233Leu) variant in MTCO3 gene is interpretated to be a Benign variant based on the modified ACMG guidelines (unpublished). This variant meets the following evidence codes: BS1, BS2, BP4